The following is an entry in ClinVar:

ClinVar aggregate classification (germline): Uncertain significance (1 of 4 stars; one submission).

Conditions:
Hereditary cancer-predisposing syndrome. Also called: Tumor predisposition; Neoplastic Syndromes, Hereditary; Hereditary neoplastic syndrome; Hereditary Cancer Syndrome. Identifiers: Orphanet 140162, MedGen C0027672, MeSH D009386, MONDO:0015356.

Submission:

Ambry Genetics
Classification: Uncertain significance for Hereditary cancer-predisposing syndrome. Last evaluated: 2025-08-25. Review status: criteria provided, single submitter. Criteria: Ambry Variant Classification Scheme 2023. Collection method: clinical testing. Allele origin: germline.
Comment: The p.L737P variant (also known as c.2210T>C), located in coding exon 15 of the MSH3 gene, results from a T to C substitution at nucleotide position 2210. The leucine at codon 737 is replaced by proline, an amino acid with similar properties. This amino acid position is conserved. In addition, this alteration is predicted to be deleterious by in silico analysis. Based on the available evidence, the clinical significance of this variant remains unclear.

NM_002439.5(MSH3):c.2210T>C (p.Leu737Pro)

Gene: MSH3 (mutS homolog 3; plus strand). Cytogenetic location: 5q14.1.
Variant type: single nucleotide variant.
Coding change: c.2210T>C on transcript NM_002439.5 (MANE Select); coding-DNA position 2210, T replaced by C.
Protein change: p.Leu737Pro; replaces leucine 737 with proline.
Molecular consequence: missense variant.
Genome position (GRCh38, 1-based): chr5:80,768,960, T>C. VCF-style: chr5-80768960-T-C. GRCh37 (hg19) VCF-style: chr5-80064779-T-C.
Other names: short protein forms L737P.
Identifiers: ClinVar variation 4111117 (VCV004111117.1).